The following is an entry in ClinVar:

NM_000540.3(RYR1):c.4186G>A (p.Ala1396Thr)

Gene: RYR1 (ryanodine receptor 1; plus strand). Cytogenetic location: 19q13.2.
Variant type: single nucleotide variant.
Coding change: c.4186G>A on transcript NM_000540.3 (MANE Select); coding-DNA position 4186, G replaced by A.
Protein change: p.Ala1396Thr; replaces alanine 1396 with threonine.
Molecular consequence: missense variant.
Genome position (GRCh38, 1-based): chr19:38,475,343, G>A. VCF-style: chr19-38475343-G-A. GRCh37 (hg19) VCF-style: chr19-38965983-G-A.
Other names: c.4186G>A, p.Ala1396Thr (NM_001042723.2); short protein forms A1396T.
Identifiers: ClinVar variation 1047339 (VCV001047339.3), dbSNP rs772111760, ClinGen allele CA065632.
Genomic context (GRCh38, chr19:38,475,343, plus strand): 5'-GCTGGCTCTCATGGCGCCTCTCCTCCCACTACCAGCTTCTTATTCAAGGCCAAGAAGGTC[G>A]CCATGATGACCCAGCCACCGGCCACCCCCACGCTGCCCCGACTCCCTCACGACGTGGTGC-3'
Protein context (NP_000531.2, residues 1386-1406): RGFLFKAKKV[Ala1396Thr]MMTQPPATPT

ClinVar aggregate classification (germline): Uncertain significance. Review status: criteria provided, multiple submitters, no conflicts (2 of 4 stars). 2 submissions from 2 submitters: Uncertain significance (2). Last evaluated 2024-03-07.

Conditions:
RYR1-related disorder. Also called: RYR1-related condition; RYR1-related disorders. Identifiers: MedGen CN239331.
Malignant hyperthermia, susceptibility to, 1 (MHS1). Also called: Anesthesia related hyperthermia; Malignant hyperpyrexia; Fulminating hyperpyrexia; Pharmacogenic myopathy; RYR1-Related Malignant Hyperthermia Susceptibility; Malignant hyperthermia suceptibility 1. Identifiers: Orphanet 423, MedGen C2930980, MONDO:0007783, OMIM 145600.

Allele frequency attached by ClinVar (database versions not stated): gnomAD 0.00001 and 0.00002; gnomAD exomes 0.00001 and 0.00003; TOPMed 0.00001; ExAC 0.00002.
gnomAD v4.1: 18 of 1,604,418 alleles (0.0011%); highest among the groups gnomAD compares: South Asian, 0.0078%; no homozygotes.

Submissions (2):

Color Diagnostics, LLC DBA Color Health
Classification: Uncertain significance for Malignant hyperthermia, susceptibility to, 1. Last evaluated: 2024-03-07. Review status: criteria provided, single submitter. Criteria: ACMG Guidelines, 2015. Collection method: clinical testing. Allele origin: germline.
Comment: This missense variant replaces alanine with threonine at codon 1396 of the RYR1 protein. Computational prediction is inconclusive regarding the impact of this variant on protein structure and function. To our knowledge, functional studies have not been reported for this variant. This variant has not been reported in individuals affected with RYR1-related disorders in the literature. This variant has been identified in 6/233852 chromosomes in the general population by the Genome Aggregation Database (gnomAD). The available evidence is insufficient to determine the role of this variant in disease conclusively. Therefore, this variant is classified as a Variant of Uncertain Significance.

Labcorp Genetics (formerly Invitae), Labcorp
Classification: Uncertain significance for RYR1-related disorder. Last evaluated: 2021-09-01. Review status: criteria provided, single submitter. Criteria: Invitae Variant Classification Sherloc (09022015). Collection method: clinical testing. Allele origin: germline.
Comment: This sequence change replaces alanine with threonine at codon 1396 of the RYR1 protein (p.Ala1396Thr). The alanine residue is highly conserved and there is a small physicochemical difference between alanine and threonine. This variant is present in population databases (rs772111760, ExAC 0.003%). This variant has not been reported in the literature in individuals affected with RYR1-related conditions. ClinVar contains an entry for this variant (Variation ID: 1047339). Advanced modeling of protein sequence and biophysical properties (such as structural, functional, and spatial information, amino acid conservation, physicochemical variation, residue mobility, and thermodynamic stability) performed at Invitae indicates that this missense variant is not expected to disrupt RYR1 protein function. Algorithms developed to predict the effect of sequence changes on RNA splicing suggest that this variant may create or strengthen a splice site. In summary, the available evidence is currently insufficient to determine the role of this variant in disease. Therefore, it has been classified as a Variant of Uncertain Significance.